The following is an entry in ClinVar:

NM_018117.12(WDR11):c.373C>T (p.Gln125Ter)

Gene: WDR11 (WD repeat domain 11; plus strand). Cytogenetic location: 10q26.12.
Variant type: single nucleotide variant.
Coding change: c.373C>T on transcript NM_018117.12 (MANE Select); coding-DNA position 373, C replaced by T.
Protein change: p.Gln125Ter; replaces glutamine 125 with a stop codon.
Molecular consequence: nonsense.
Genome position (GRCh38, 1-based): chr10:120,860,129, C>T. VCF-style: chr10-120860129-C-T. GRCh37 (hg19) VCF-style: chr10-122619641-C-T.
Other names: short protein forms Q125*.
Identifiers: ClinVar variation 931103 (VCV000931103.3), dbSNP rs1846091309, ClinGen allele CA378318310.

ClinVar aggregate classification (germline): Uncertain significance (1 of 4 stars; one submission).

Conditions:
Hypogonadotropic hypogonadism 7 with or without anosmia (HH7). Also called: HYPOGONADOTROPIC HYPOGONADISM 7 WITHOUT ANOSMIA; GNRHR-Related GnRH Deficiency. Identifiers: Orphanet 432, MedGen C0342384, MONDO:0007794, OMIM 146110.

Submission:

Centre for Mendelian Genomics, University Medical Centre Ljubljana
Classification: Uncertain significance for Hypogonadotropic hypogonadism 7 with or without anosmia. Last evaluated: 2019-04-06. Review status: criteria provided, single submitter. Criteria: ACMG Guidelines, 2015. Collection method: clinical testing. Allele origin: unknown. Affected: yes.
Comment: This variant was classified as: Uncertain significance. The following ACMG criteria were applied in classifying this variant: PM2.